The following is an entry in ClinVar:

NM_000257.4(MYH7):c.3778C>G (p.Arg1260Gly)

Gene: MYH7 (myosin heavy chain 7; minus strand). Cytogenetic location: 14q11.2.
Variant type: single nucleotide variant.
Coding change: c.3778C>G on transcript NM_000257.4 (MANE Select); coding-DNA position 3778, C replaced by G.
Protein change: p.Arg1260Gly; replaces arginine 1260 with glycine.
Molecular consequence: missense variant.
Genome position (GRCh38, 1-based): chr14:23,419,558, G>C on the plus strand (C>G on the coding strand, the complement: MYH7 is on the minus strand). VCF-style: chr14-23419558-G-C. GRCh37 (hg19) VCF-style: chr14-23888767-G-C.
Other names: c.3778C>G, p.Arg1260Gly (NM_001407004.1); short protein forms R1260G.
Identifiers: ClinVar variation 3072292 (VCV003072292.3), dbSNP rs755386220, ClinGen allele CA389042654.

ClinVar aggregate classification (germline): Uncertain significance. Review status: criteria provided, multiple submitters, no conflicts (2 of 4 stars). 3 submissions from 3 submitters: Uncertain significance (3). Last evaluated 2026-06-19.

Conditions:
Cardiomyopathy (CMYO). Also called: Cardiomyopathies. Identifiers: Orphanet 167848, MedGen C0878544, MONDO:0004994, HP:0001638. Inheritance: Various modes of inheritance.

gnomAD v4.1: 2 of 1,614,020 alleles (0.00012%); highest among the groups gnomAD compares: East Asian, 0.0022%; no homozygotes.

Submissions (3):

Women's Health and Genetics/Laboratory Corporation of America, LabCorp
Classification: Uncertain significance. Last evaluated: 2026-06-19. Review status: criteria provided, single submitter. Criteria: LabCorp Variant Classification Summary - May 2015. Collection method: clinical testing. Allele origin: germline.

Color Diagnostics, LLC DBA Color Health
Classification: Uncertain significance for Cardiomyopathy. Last evaluated: 2025-09-13. Review status: criteria provided, single submitter. Criteria: ACMG Guidelines, 2015. Collection method: clinical testing. Allele origin: germline.
Comment: This missense variant replaces arginine with glycine at codon 1260 of the MYH7 protein. Computational prediction is inconclusive regarding the impact of this variant on protein structure and function. To our knowledge, functional studies have not been reported for this variant. This variant has not been reported in individuals affected with MYH7-related disorders in the literature. This variant has not been identified in the general population by the Genome Aggregation Database (gnomAD). The available evidence is insufficient to determine the role of this variant in disease conclusively. Therefore, this variant is classified as a Variant of Uncertain Significance.

All of Us Research Program, National Institutes of Health
Classification: Uncertain significance for Cardiomyopathy. Last evaluated: 2023-08-15. Review status: criteria provided, single submitter. Criteria: ACMG Guidelines, 2015. Collection method: clinical testing. Allele origin: germline. Inheritance: Autosomal dominant inheritance. Observed: 1 variant allele, 1 heterozygote.
Comment: This study involves interpretation of variants in research participants for the purpose of population health screening. Participant phenotype was not available at the time of variant classification. Additional details can be found in publication PMID: 35346344, PMCID: PMC8962531